The following is an entry in ClinVar:

NM_004958.4(MTOR):c.5604G>C (p.Lys1868Asn)

Gene: MTOR (mechanistic target of rapamycin kinase; minus strand). Cytogenetic location: 1p36.22.
Variant type: single nucleotide variant.
Coding change: c.5604G>C on transcript NM_004958.4 (MANE Select); coding-DNA position 5604, G replaced by C.
Protein change: p.Lys1868Asn; replaces lysine 1868 with asparagine.
Molecular consequence: missense variant.
Genome position (GRCh38, 1-based): chr1:11,130,538, C>G on the plus strand (G>C on the coding strand, the complement: MTOR is on the minus strand). VCF-style: chr1-11130538-C-G. GRCh37 (hg19) VCF-style: chr1-11190595-C-G.
Other names: c.5604G>C, p.Lys1868Asn (NM_001386500.1); c.4356G>C, p.Lys1452Asn (NM_001386501.1); short protein forms K1452N, K1868N.
Identifiers: ClinVar variation 1975609 (VCV001975609.5), dbSNP rs186448706, ClinGen allele CA338398038.

ClinVar aggregate classification (germline): Uncertain significance (1 of 4 stars; one submission).

Submission:

Labcorp Genetics (formerly Invitae), Labcorp
Classification: Uncertain significance. Last evaluated: 2022-03-25. Review status: criteria provided, single submitter. Criteria: Invitae Variant Classification Sherloc (09022015). Collection method: clinical testing. Allele origin: germline.
Comment: This sequence change replaces lysine, which is basic and polar, with asparagine, which is neutral and polar, at codon 1868 of the MTOR protein (p.Lys1868Asn). This variant is not present in population databases (gnomAD no frequency). This variant has not been reported in the literature in individuals affected with MTOR-related conditions. Algorithms developed to predict the effect of sequence changes on RNA splicing suggest that this variant may disrupt the consensus splice site. In summary, the available evidence is currently insufficient to determine the role of this variant in disease. Therefore, it has been classified as a Variant of Uncertain Significance. Advanced modeling of protein sequence and biophysical properties (such as structural, functional, and spatial information, amino acid conservation, physicochemical variation, residue mobility, and thermodynamic stability) performed at Invitae indicates that this missense variant is not expected to disrupt MTOR protein function.